The following is an entry in ClinVar:

NM_000135.4(FANCA):c.3583C>G (p.Arg1195Gly)

Gene: FANCA (FA complementation group A; minus strand). Cytogenetic location: 16q24.3.
Variant type: single nucleotide variant.
Coding change: c.3583C>G on transcript NM_000135.4 (MANE Select); coding-DNA position 3583, C replaced by G.
Protein change: p.Arg1195Gly; replaces arginine 1195 with glycine.
Molecular consequence: missense variant.
Genome position (GRCh38, 1-based): chr16:89,745,002, G>C on the plus strand (C>G on the coding strand, the complement: FANCA is on the minus strand). VCF-style: chr16-89745002-G-C. GRCh37 (hg19) VCF-style: chr16-89811410-G-C.
Other names: c.3583C>G, p.Arg1195Gly (NM_001286167.3); short protein forms R1195G.
Identifiers: ClinVar variation 835008 (VCV000835008.8), dbSNP rs143642304, ClinGen allele CA8251089.
Genomic context (GRCh38, chr16:89,745,002, plus strand): 5'-TCACCACCCACACGTACTCGCTGGCAAACTGCCGGCCTTCTTGTAGCTTCTGCAGTTCCC[G>C]GGGCAGCGGGCTCTGGCAGTGTCTCCTCCACCGGCAGAGCAGCACAGGCTCCAGGCTCGG-3'
Protein context (NP_000126.2, residues 1185-1205): WRRHCQSPLP[Arg1195Gly]ELQKLQEGRQ

ClinVar aggregate classification (germline): Uncertain significance. Review status: criteria provided, multiple submitters, no conflicts (2 of 4 stars). 2 submissions from 2 submitters: Uncertain significance (2). Last evaluated 2025-09-26.

Conditions:
Inborn genetic diseases. Identifiers: MedGen C0950123, MeSH D030342.
Fanconi anemia (FA). Also called: Fanconi's anemia. Identifiers: Orphanet 84, MedGen C0015625, MeSH D005199, MONDO:0019391.

gnomAD v4.1: 16 of 1,610,954 alleles (0.00099%); highest among the groups gnomAD compares: Non-Finnish European, 0.0014%; no homozygotes.

Submissions (2):

Ambry Genetics
Classification: Uncertain significance for Inborn genetic diseases. Last evaluated: 2025-09-26. Review status: criteria provided, single submitter. Criteria: Ambry Variant Classification Scheme 2023. Collection method: clinical testing. Allele origin: germline.
Comment: The p.R1195G variant (also known as c.3583C>G), located in coding exon 36 of the FANCA gene, results from a C to G substitution at nucleotide position 3583. The arginine at codon 1195 is replaced by glycine, an amino acid with dissimilar properties. This amino acid position is conserved. In addition, this alteration is predicted to be tolerated by in silico analysis. Based on the available evidence, the clinical significance of this variant remains unclear.

Labcorp Genetics (formerly Invitae), Labcorp
Classification: Uncertain significance for Fanconi anemia. Last evaluated: 2022-04-13. Review status: criteria provided, single submitter. Criteria: Invitae Variant Classification Sherloc (09022015). Collection method: clinical testing. Allele origin: germline.
Comment: This sequence change replaces arginine, which is basic and polar, with glycine, which is neutral and non-polar, at codon 1195 of the FANCA protein (p.Arg1195Gly). This variant is present in population databases (rs143642304, gnomAD 0.002%). This variant has not been reported in the literature in individuals affected with FANCA-related conditions. ClinVar contains an entry for this variant (Variation ID: 835008). Advanced modeling of protein sequence and biophysical properties (such as structural, functional, and spatial information, amino acid conservation, physicochemical variation, residue mobility, and thermodynamic stability) performed at Invitae indicates that this missense variant is not expected to disrupt FANCA protein function. In summary, the available evidence is currently insufficient to determine the role of this variant in disease. Therefore, it has been classified as a Variant of Uncertain Significance.